The following is an entry in ClinVar:

NM_174936.4(PCSK9):c.2023G>A (p.Val675Ile)

Gene: PCSK9 (proprotein convertase subtilisin/kexin type 9; plus strand). Cytogenetic location: 1p32.3.
Variant type: single nucleotide variant.
Coding change: c.2023G>A on transcript NM_174936.4 (MANE Select); coding-DNA position 2023, G replaced by A.
Protein change: p.Val675Ile; replaces valine 675 with isoleucine.
Molecular consequence: missense variant.
Genome position (GRCh38, 1-based): chr1:55,063,528, G>A. VCF-style: chr1-55063528-G-A. GRCh37 (hg19) VCF-style: chr1-55529201-G-A.
Other names: c.2146G>A, p.Val716Ile (NM_001407240.1); c.2065G>A, p.Val689Ile (NM_001407241.1); c.2026G>A, p.Val676Ile (NM_001407242.1); c.1966G>A, p.Val656Ile (NM_001407243.1); c.1849G>A, p.Val617Ile (NM_001407244.1); c.1831G>A, p.Val611Ile (NM_001407245.1); c.1648G>A, p.Val550Ile (NM_001407246.1); c.1522G>A, p.Val508Ile (NM_001407247.1); short protein forms V675I, V656I, V716I, V611I, V617I, V508I, V550I, V676I.
Identifiers: ClinVar variation 492242 (VCV000492242.9), dbSNP rs760981278, ClinGen allele CA040345.

ClinVar aggregate classification (germline): Conflicting classifications of pathogenicity. Review status: criteria provided, conflicting classifications (1 of 4 stars). 4 submissions from 3 submitters: Uncertain significance (3); Likely benign (1). Last evaluated 2024-09-05.

Conditions:
Familial hypercholesterolemia. Also called: Familial hypercholesterolemias; Familial hypercholesterolaemia. Identifiers: MedGen C0020445, MONDO:0005439.
Cardiovascular phenotype. Identifiers: MedGen CN230736.
Hypercholesterolemia, familial, 1. Also called: LDL RECEPTOR DISORDER; Hyperlipoproteinemia Type IIa; HYPER-LOW-DENSITY-LIPOPROTEINEMIA; HYPERCHOLESTEROLEMIC XANTHOMATOSIS, FAMILIAL; Fredrickson type IIa hyperlipoproteinemia; Hyperlipoproteinemia type 2. Identifiers: Orphanet 391665, MedGen C0745103, MONDO:0007750, OMIM 143890.

Allele frequency attached by ClinVar (database versions not stated): ExAC 0.00001; gnomAD 0.00001; gnomAD exomes 0.00001; TOPMed 0.00001.
gnomAD v4.1: 12 of 1,613,442 alleles (0.00074%); highest among the groups gnomAD compares: Admixed American, 0.0017%; no homozygotes.

Submissions (4):

Color Diagnostics, LLC DBA Color Health
Classification: Likely benign for Familial hypercholesterolemia. Last evaluated: 2024-09-05. Review status: criteria provided, single submitter. Criteria: ACMG Guidelines, 2015. Collection method: clinical testing. Allele origin: germline.

Quest Diagnostics Nichols Institute San Juan Capistrano
Classification: Uncertain significance. Last evaluated: 2023-11-16. Review status: criteria provided, single submitter. Criteria: Quest Diagnostics criteria. Collection method: clinical testing. Allele origin: unknown.
Comment: The PCSK9 c.2023G>A (p.Val675Ile) variant has not been reported in individuals with PCSK9-related conditions in the published literature. The frequency of this variant in the general population, 0.000012 (3/249362 chromosomes (Genome Aggregation Database)), is uninformative in the assessment of its pathogenicity. Analysis of this variant using a bioinformatics tool for the prediction of the effect of amino acid changes on protein structure and function yielded a prediction that this variant is benign. Based on the available information, we are unable to determine the clinical significance of this variant.

Ambry Genetics
Classification: Uncertain significance for Cardiovascular phenotype. Last evaluated: 2023-10-19. Review status: criteria provided, single submitter. Criteria: Ambry Variant Classification Scheme 2023. Collection method: clinical testing. Allele origin: germline.
Comment: The p.V675I variant (also known as c.2023G>A), located in coding exon 12 of the PCSK9 gene, results from a G to A substitution at nucleotide position 2023. The valine at codon 675 is replaced by isoleucine, an amino acid with highly similar properties. This amino acid position is conserved. In addition, this alteration is predicted to be tolerated by in silico analysis. Since supporting evidence is limited at this time, the clinical significance of this alteration remains unclear.

Color Diagnostics, LLC DBA Color Health
Classification: Uncertain significance for Familial hypercholesterolemia. Last evaluated: 2017-10-23. Review status: criteria provided, single submitter. Criteria: ACMG Guidelines, 2015. Collection method: clinical testing. Allele origin: germline.
Comment: Variant of Uncertain Significance due to insufficient evidence: Variant is located in the C-terminal, CM3 domain of the PCSK9 protein. Computational prediction tools and conservation analyses suggest that this variant may not impact the protein function. Computational splicing tools suggest that this variant may not impact the RNA splicing. To our knowledge, functional assays have not been performed for this variant nor has the variant been reported in individuals affected with FH in the literature. This variant has been identified in 3/244444 chromosomes in the general population by the Genome Aggregation Database (gnomAD). In summary, available evidence is insufficient to determine the pathogenicity of this variant conclusively.